The following is an entry in ClinVar:

NM_006767.4(LZTR1):c.902dup (p.Ala302fs)

Gene: LZTR1 (leucine zipper like post translational regulator 1; plus strand). Cytogenetic location: 22q11.21.
Variant type: Duplication.
Coding change: c.902dup on transcript NM_006767.4 (MANE Select); coding-DNA position 902, one base duplicated (G; older notation c.902dupG).
Protein change: p.Ala302fs; shifts the reading frame from alanine 302.
Molecular consequence: frameshift variant.
Genome position (GRCh38, 1-based): chr22:20,991,738, G duplicated; the last of 5 consecutive G bases (chr22:20,991,734-20,991,738); duplicating any one gives the same sequence. VCF-style (leftmost placement, unchanged base first): chr22-20991733-T-TG. GRCh37 (hg19) VCF-style: chr22-21346022-T-TG.
Other names: short protein forms A302fs.
Identifiers: ClinVar variation 3238368 (VCV003238368.1), dbSNP rs1924613952.
Genomic context (GRCh38, chr22:20,991,733, plus strand): 5'-ACCCCCGCAGCGGCGCTACGGGCATACCATGGTGGCCTTTGACCGCCACCTCTATGTGTT[T>TG]GGGGGTGCGGCCGACAACACGCTGCCCAACGAGCTGCACTGCTATGACGTGGACTTCCAG-3'

ClinVar aggregate classification (germline): Pathogenic (1 of 4 stars; one submission).

Conditions:
Hereditary cancer-predisposing syndrome. Also called: Neoplastic Syndromes, Hereditary; Tumor predisposition; Hereditary neoplastic syndrome; Hereditary Cancer Syndrome. Identifiers: Orphanet 140162, MedGen C0027672, MeSH D009386, MONDO:0015356.
Cardiovascular phenotype. Identifiers: MedGen CN230736.

Submission:

Ambry Genetics
Classification: Pathogenic for Cardiovascular phenotype; Hereditary cancer-predisposing syndrome. Last evaluated: 2023-10-10. Review status: criteria provided, single submitter. Criteria: Ambry Variant Classification Scheme 2023. Collection method: clinical testing. Allele origin: germline.
Comment: The c.902dupG variant, located in coding exon 9 of the LZTR1 gene, results from a duplication of G at nucleotide position 902, causing a translational frameshift with a predicted alternate stop codon (p.A302Cfs*14). This variant is considered to be rare based on population cohorts in the Genome Aggregation Database (gnomAD). Loss-of-function variants in LZTR1 are related to an increased risk for schwannomas and autosomal recessive Noonan syndrome; however, such associations with autosomal dominant Noonan syndrome have not been observed (Piotrowski A et al. Nat Genet. 2014 Feb;46:182-7; Yamamoto GL et al. J Med Genet. 2015 Jun;52:413-21; Johnston JJ et al. Genet Med. 2018 10;20:1175-1185). This alteration is expected to result in loss of function by premature protein truncation or nonsense-mediated mRNA decay. Based on the supporting evidence, this variant is pathogenic for an increased risk of LZTR1-related schwannomatosis (SWN) and would be expected to cause autosomal recessive Noonan syndrome when present along with a second pathogenic or likely pathogenic variant on the other allele; however, the association of this alteration with autosomal dominant Noonan syndrome is unlikely.